The following is an entry in ClinVar:

NM_002185.5(IL7R):c.*2547G>A

Gene: IL7R (interleukin 7 receptor; plus strand). Cytogenetic location: 5p13.2.
Variant type: single nucleotide variant.
Coding change: c.*2547G>A on transcript NM_002185.5 (MANE Select); 2547 bases downstream of the stop codon, G replaced by A.
Molecular consequence: 3 prime UTR variant. On other transcripts: non-coding transcript variant (1).
Genome position (GRCh38, 1-based): chr5:35,879,033, G>A. VCF-style: chr5-35879033-G-A. GRCh37 (hg19) VCF-style: chr5-35879135-G-A.
Identifiers: ClinVar variation 906317 (VCV000906317.5), dbSNP rs13167136, ClinGen allele CA12129428.

ClinVar aggregate classification (germline): Benign. Review status: criteria provided, multiple submitters, no conflicts (2 of 4 stars). 2 submissions from 2 submitters: Benign (2). Last evaluated 2018-01-12.

Conditions:
Immunodeficiency 104. Also called: IMMUNODEFICIENCY 104, SEVERE COMBINED; Severe combined immunodeficiency, autosomal recessive, T cell-negative, B cell-positive, NK cell-positive; SCID, AUTOSOMAL RECESSIVE, T CELL-NEGATIVE, B CELL-POSITIVE, NK CELL-POSITIVE; Severe Combined Immune Deficiency, Autosomal Recessive, TCell -Negative, B Cell-Positive, NK Cell-Positive, IL7R-Related. Identifiers: MedGen C5676890, MONDO:0012163, OMIM 608971.

Allele frequency attached by ClinVar (database versions not stated): 1000 Genomes Project 0.12839; 1000 Genomes Project 30x 0.12898; gnomAD 0.13087 and 0.13265; gnomAD exomes 0.13303; TOPMed 0.13890.
gnomAD v4.1: 30,728 of 232,574 alleles (13%); highest among the groups gnomAD compares: Admixed American, 15%; 2,066 homozygotes.

Submissions (2):

Illumina Laboratory Services, Illumina
Classification: Benign for Immunodeficiency 104. Last evaluated: 2018-01-12. Review status: criteria provided, single submitter. Criteria: ICSL Variant Classification Criteria 13 December 2019. Collection method: clinical testing. Allele origin: germline.
Comment: This variant was observed in the ICSL laboratory as part of a predisposition screen in an ostensibly healthy population. It had not been previously curated by ICSL or reported in the Human Gene Mutation Database (HGMD: prior to June 1st, 2018), and was therefore a candidate for classification through an automated scoring system. Utilizing variant allele frequency, disease prevalence and penetrance estimates, and inheritance mode, an automated score was calculated to assess if this variant is too frequent to cause the disease. Based on the score and internal cut-off values, a variant classified as benign is not then subjected to further curation. The score for this variant resulted in a classification of benign for this disease.

Breakthrough Genomics
Classification: Benign. Review status: criteria provided, single submitter. Criteria: ACMG Guidelines, 2015. Collection method: not provided. Allele origin: germline. Inheritance: Autosomal recessive inheritance. Affected: yes.